The following is an entry in ClinVar:

ClinVar aggregate classification (germline): Uncertain significance (1 of 4 stars; one submission).

Conditions:
Developmental and epileptic encephalopathy, 9 (DEE9). Also called: Early infantile epileptic encephalopathy 9; EPILEPSY, FEMALE-RESTRICTED, WITH MENTAL RETARDATION; JUBERG-HELLMAN SYNDROME; PCDH19-Related X-Linked Female-Limited Epilepsy with Mental Retardation. Identifiers: Orphanet 101039, Orphanet 2076, MedGen C1848137, MONDO:0010246, OMIM 300088. Disease mechanism: loss of function.

Submission:

Labcorp Genetics (formerly Invitae), Labcorp
Classification: Uncertain significance for Developmental and epileptic encephalopathy, 9. Last evaluated: 2020-10-21. Review status: criteria provided, single submitter. Criteria: Invitae Variant Classification Sherloc (09022015). Collection method: clinical testing. Allele origin: germline.
Comment: In summary, the available evidence is currently insufficient to determine the role of this variant in disease. Therefore, it has been classified as a Variant of Uncertain Significance. Advanced modeling of protein sequence and biophysical properties (such as structural, functional, and spatial information, amino acid conservation, physicochemical variation, residue mobility, and thermodynamic stability) performed at Invitae indicates that this missense variant is expected to disrupt PCDH19 protein function. This variant has not been reported in the literature in individuals with PCDH19-related conditions. This variant is not present in population databases (ExAC no frequency). This sequence change replaces proline with serine at codon 578 of the PCDH19 protein (p.Pro578Ser). The proline residue is highly conserved and there is a moderate physicochemical difference between proline and serine.

NM_001184880.2(PCDH19):c.1732C>T (p.Pro578Ser)

Gene: PCDH19 (protocadherin 19; minus strand). Cytogenetic location: Xq22.1.
Variant type: single nucleotide variant.
Coding change: c.1732C>T on transcript NM_001184880.2 (MANE Select); coding-DNA position 1732, C replaced by T.
Protein change: p.Pro578Ser; replaces proline 578 with serine.
Molecular consequence: missense variant.
Genome position (GRCh38, 1-based): chrX:100,406,866, G>A on the plus strand (C>T on the coding strand, the complement: PCDH19 is on the minus strand). VCF-style: chrX-100406866-G-A. GRCh37 (hg19) VCF-style: chrX-99661864-G-A.
Other names: c.1732C>T, p.Pro578Ser (NM_001105243.2, NM_020766.3); short protein forms P578S.
Identifiers: ClinVar variation 1021417 (VCV001021417.9), dbSNP rs951696281, ClinGen allele CA333826064.
Genomic context (GRCh38, chrX:100,406,866, plus strand): 5'-CCTCATCGTAGTCTTCTGCCTTGACAACAGTCACCAGGTAGCCTATGCCAGAGTTGCGGG[G>A]TATGTAGACCTCGGCAGTGCCGTTAATCAGAGGTGGGGCTGTGATGACCGGGGTGTTGTC-3'
Protein context (NP_001171809.1, residues 568-588): LINGTAEVYI[Pro578Ser]RNSGIGYLVT